The following is an entry in ClinVar:

NM_018006.5(TRMU):c.749dup (p.Asn250fs)

Gene: TRMU (tRNA mitochondrial 2-thiouridylase; plus strand). Cytogenetic location: 22q13.31.
Variant type: Duplication.
Coding change: c.749dup on transcript NM_018006.5 (MANE Select); coding-DNA position 749, one base duplicated (A; older notation c.749dupA).
Protein change: p.Asn250fs; shifts the reading frame from asparagine 250.
Molecular consequence: frameshift variant. On other transcripts: non-coding transcript variant (2).
Genome position (GRCh38, 1-based): chr22:46,352,307, A duplicated; the last of 2 consecutive A bases (chr22:46,352,306-46,352,307); duplicating either gives the same sequence. VCF-style (leftmost placement, unchanged base first): chr22-46352305-C-CA. GRCh37 (hg19) VCF-style: chr22-46748202-C-CA.
Other names: c.407dup, p.Asn136fs (NM_001282782.2); c.329dup, p.Asn110fs (NM_001282783.2, NM_001282784.2); c.749dup, p.Asn250fs (NM_001282785.2); short protein forms N110fs, N136fs, N250fs.
Identifiers: ClinVar variation 1392569 (VCV001392569.6), dbSNP rs2147095916, ClinGen allele CA2573158381.

ClinVar aggregate classification (germline): Pathogenic (1 of 4 stars; one submission).

Submission:

Labcorp Genetics (formerly Invitae), Labcorp
Classification: Pathogenic. Last evaluated: 2020-12-17. Review status: criteria provided, single submitter. Criteria: Invitae Variant Classification Sherloc (09022015). Collection method: clinical testing. Allele origin: germline.
Comment: For these reasons, this variant has been classified as Pathogenic. This variant has not been reported in the literature in individuals with TRMU-related conditions. This variant is not present in population databases (ExAC no frequency). This sequence change creates a premature translational stop signal (p.Asn250Lysfs*2) in the TRMU gene. It is expected to result in an absent or disrupted protein product. Loss-of-function variants in TRMU are known to be pathogenic (PMID: 19732863, 23625533).

Literature cited by the submitters: PubMed 19732863; PubMed 23625533.